The following is an entry in ClinVar:

ClinVar aggregate classification (germline): Uncertain significance (1 of 4 stars; one submission).

gnomAD v4.1: 2 of 1,591,982 alleles (0.00013%); highest among the groups gnomAD compares: Non-Finnish European, 0.00017%; no homozygotes.

Submission:

Labcorp Genetics (formerly Invitae), Labcorp
Classification: Uncertain significance. Last evaluated: 2025-03-30. Review status: criteria provided, single submitter. Criteria: Invitae Variant Classification Sherloc (09022015). Collection method: clinical testing. Allele origin: germline.
Comment: This sequence change affects codon 520 of the ACAN mRNA. It is a 'silent' change, meaning that it does not change the encoded amino acid sequence of the ACAN protein. This variant is not present in population databases (gnomAD no frequency). This variant has not been reported in the literature in individuals affected with ACAN-related conditions. Algorithms developed to predict the effect of sequence changes on RNA splicing suggest that this variant may create or strengthen a splice site. In summary, the available evidence is currently insufficient to determine the role of this variant in disease. Therefore, it has been classified as a Variant of Uncertain Significance.

NM_001369268.1(ACAN):c.1560C>G (p.Gly520=)

Gene: ACAN (aggrecan; plus strand). Cytogenetic location: 15q26.1.
Variant type: single nucleotide variant.
Coding change: c.1560C>G on transcript NM_001369268.1 (MANE Select); coding-DNA position 1560, C replaced by G.
Protein change: p.Gly520=; no amino-acid change (glycine 520 retained).
Molecular consequence: synonymous variant.
Genome position (GRCh38, 1-based): chr15:88,847,373, C>G. VCF-style: chr15-88847373-C-G. GRCh37 (hg19) VCF-style: chr15-89390604-C-G.
Other names: c.1560C>G, p.Gly520= (NM_001135.4, NM_001411096.1, NM_001411097.1 and 1 more transcripts).
Identifiers: ClinVar variation 4765239 (VCV004765239.1).